The following is an entry in ClinVar:

ClinVar aggregate classification (germline): Pathogenic/Likely pathogenic. Review status: criteria provided, multiple submitters, no conflicts (2 of 4 stars). 2 submissions from 2 submitters: Pathogenic (1); Likely pathogenic (1). Last evaluated 2022-01-14.

Conditions:
TUBGCP6-related disorder. Also called: TUBGCP6-related condition.

Submissions (2):

Blueprint Genetics
Classification: Likely pathogenic for TUBGCP6-related disorders. Last evaluated: 2022-01-14. Review status: criteria provided, single submitter. Criteria: ACMG Guidelines, 2015. Collection method: clinical testing. Allele origin: germline. Affected: yes. Observed: 1 variant allele.

Labcorp Genetics (formerly Invitae), Labcorp
Classification: Pathogenic. Last evaluated: 2021-10-11. Review status: criteria provided, single submitter. Criteria: Invitae Variant Classification Sherloc (09022015). Collection method: clinical testing. Allele origin: germline.
Comment: For these reasons, this variant has been classified as Pathogenic. This variant has not been reported in the literature in individuals affected with TUBGCP6-related conditions. This variant is not present in population databases (ExAC no frequency). This sequence change creates a premature translational stop signal (p.Ser693*) in the TUBGCP6 gene. It is expected to result in an absent or disrupted protein product. Loss-of-function variants in TUBGCP6 are known to be pathogenic (PMID: 25344692).

Literature cited by the submitters: PubMed 25344692 (cited by Labcorp Genetics (formerly Invitae), Labcorp).

NM_020461.4(TUBGCP6):c.2078C>G (p.Ser693Ter)

Gene: TUBGCP6 (tubulin gamma complex component 6; minus strand). Cytogenetic location: 22q13.33.
Variant type: single nucleotide variant.
Coding change: c.2078C>G on transcript NM_020461.4 (MANE Select); coding-DNA position 2078, C replaced by G.
Protein change: p.Ser693Ter; replaces serine 693 with a stop codon.
Molecular consequence: nonsense.
Genome position (GRCh38, 1-based): chr22:50,224,408, G>C on the plus strand (C>G on the coding strand, the complement: TUBGCP6 is on the minus strand). VCF-style: chr22-50224408-G-C. GRCh37 (hg19) VCF-style: chr22-50662837-G-C.
Other names: short protein forms S693*.
Identifiers: ClinVar variation 1382361 (VCV001382361.7), dbSNP rs2147185153, ClinGen allele CA412103199.